The following is an entry in ClinVar:

NM_199355.4(ADAMTS18):c.2719C>A (p.Gln907Lys)

Gene: ADAMTS18 (ADAM metallopeptidase with thrombospondin type 1 motif 18; minus strand). Cytogenetic location: 16q23.1.
Variant type: single nucleotide variant.
Coding change: c.2719C>A on transcript NM_199355.4 (MANE Select); coding-DNA position 2719, C replaced by A.
Protein change: p.Gln907Lys; replaces glutamine 907 with lysine.
Molecular consequence: missense variant.
Genome position (GRCh38, 1-based): chr16:77,297,371, G>T on the plus strand (C>A on the coding strand, the complement: ADAMTS18 is on the minus strand). VCF-style: chr16-77297371-G-T. GRCh37 (hg19) VCF-style: chr16-77331268-G-T.
Other names: c.2203C>A, p.Gln735Lys (NM_001326358.2); short protein forms Q735K, Q907K.
Identifiers: ClinVar variation 1391681 (VCV001391681.6), dbSNP rs758882373, ClinGen allele CA396834236.

ClinVar aggregate classification (germline): Uncertain significance (1 of 4 stars; one submission).

Submission:

Labcorp Genetics (formerly Invitae), Labcorp
Classification: Uncertain significance. Last evaluated: 2022-08-09. Review status: criteria provided, single submitter. Criteria: Invitae Variant Classification Sherloc (09022015). Collection method: clinical testing. Allele origin: germline.
Comment: In summary, the available evidence is currently insufficient to determine the role of this variant in disease. Therefore, it has been classified as a Variant of Uncertain Significance. Algorithms developed to predict the effect of sequence changes on RNA splicing suggest that this variant may disrupt the consensus splice site. Algorithms developed to predict the effect of missense changes on protein structure and function are either unavailable or do not agree on the potential impact of this missense change (SIFT: "Not Available"; PolyPhen-2: "Benign"; Align-GVGD: "Not Available"). ClinVar contains an entry for this variant (Variation ID: 1391681). This variant has not been reported in the literature in individuals affected with ADAMTS18-related conditions. This variant is not present in population databases (gnomAD no frequency). This sequence change replaces glutamine, which is neutral and polar, with lysine, which is basic and polar, at codon 907 of the ADAMTS18 protein (p.Gln907Lys).